The following is an entry in ClinVar:

NM_018089.3(ANKZF1):c.1697C>T (p.Ser566Phe)

Gene: ANKZF1 (ankyrin repeat and zinc finger peptidyl tRNA hydrolase 1; plus strand). Cytogenetic location: 2q35.
Variant type: single nucleotide variant.
Coding change: c.1697C>T on transcript NM_018089.3 (MANE Select); coding-DNA position 1697, C replaced by T.
Protein change: p.Ser566Phe; replaces serine 566 with phenylalanine.
Molecular consequence: missense variant.
Genome position (GRCh38, 1-based): chr2:219,235,479, C>T. VCF-style: chr2-219235479-C-T. GRCh37 (hg19) VCF-style: chr2-220100201-C-T.
Other names: c.1697C>T (NM_018089.2); c.1697C>T, p.Ser566Phe (NM_001042410.2); c.1067C>T, p.Ser356Phe (NM_001282792.2); short protein forms S356F, S566F.
Identifiers: ClinVar variation 3629047 (VCV003629047.3).

ClinVar aggregate classification (germline): Uncertain significance. Review status: criteria provided, multiple submitters, no conflicts (2 of 4 stars). 2 submissions from 2 submitters: Uncertain significance (2). Last evaluated 2025-09-26.

gnomAD v4.1: 14 of 1,613,806 alleles (0.00087%); highest among the groups gnomAD compares: Non-Finnish European, 0.0011%; no homozygotes.

Submissions (2):

Ambry Genetics
Classification: Uncertain significance. Last evaluated: 2025-09-26. Review status: criteria provided, single submitter. Criteria: Ambry Variant Classification Scheme 2023. Collection method: clinical testing. Allele origin: germline.

Labcorp Genetics (formerly Invitae), Labcorp
Classification: Uncertain significance. Last evaluated: 2025-09-10. Review status: criteria provided, single submitter. Criteria: Invitae Variant Classification Sherloc (09022015). Collection method: clinical testing. Allele origin: germline.
Comment: This sequence change replaces serine, which is neutral and polar, with phenylalanine, which is neutral and non-polar, at codon 566 of the ANKZF1 protein (p.Ser566Phe). This variant is not present in population databases (gnomAD no frequency). This variant has not been reported in the literature in individuals affected with ANKZF1-related conditions. ClinVar contains an entry for this variant (Variation ID: 3629047). An algorithm developed to predict the effect of missense changes on protein structure and function outputs the following: PolyPhen-2: "Benign". The phenylalanine amino acid residue is found in multiple mammalian species, which suggests that this missense change does not adversely affect protein function. In summary, the available evidence is currently insufficient to determine the role of this variant in disease. Therefore, it has been classified as a Variant of Uncertain Significance.